The following is an entry in ClinVar:

ClinVar aggregate classification (germline): Likely pathogenic. Review status: criteria provided, single submitter (1 of 4 stars). 3 submissions from 3 submitters: Likely pathogenic (1). 2 of the submissions do not count toward it. Last evaluated 2022-11-23.

Conditions:
CUL3-related disorder. Also called: CUL3-related condition; CUL3-related disorders.
Pseudohypoaldosteronism type 2E (PHA2E). Also called: Pseudohypoaldosteronism Type IIE. Identifiers: Orphanet 300530, Orphanet 757, MedGen C3469606, MONDO:0013782, OMIM 614496.
Pseudohypoaldosteronism type 2A (PHA2A). Also called: GORDON HYPERKALEMIA-HYPERTENSION SYNDROME; HYPERTENSIVE HYPERKALEMIA, FAMILIAL. Identifiers: Orphanet 757, Orphanet 88938, MedGen C1840389, MONDO:0007772, OMIM 145260.

Submissions (3):

Blueprint Genetics
Classification: Likely pathogenic for CUL3-related disorders. Last evaluated: 2022-11-23. Review status: criteria provided, single submitter. Criteria: ACMG Guidelines, 2015. Collection method: clinical testing. Allele origin: germline. Affected: yes. Observed: 2 variant alleles.

OMIM
Classification: Pathogenic for PSEUDOHYPOALDOSTERONISM, TYPE IIE. Last evaluated: 2012-01-22. Review status: no assertion criteria provided. Collection method: literature only. Allele origin: germline. Not counted in ClinVar's aggregate classification.

Richard Lifton Laboratory, Yale University School of Medicine
Classification: Pathogenic for Pseudohypoaldosteronism, type 2. Review status: no assertion criteria provided. Collection method: not provided. Allele origin: germline. Not counted in ClinVar's aggregate classification.
Comment: dominant;observed de novo;exon 9 splice enhancer
ClinVar note: Converted during submission from pathogenic to Pathogenic.

Literature cited by the submitters: PubMed 22266938 (cited by OMIM).

NM_003590.5(CUL3):c.1238A>G (p.Asp413Gly)

Gene: CUL3 (cullin 3; minus strand). Cytogenetic location: 2q36.2.
Variant type: single nucleotide variant.
Coding change: c.1238A>G on transcript NM_003590.5 (MANE Select); coding-DNA position 1238, A replaced by G.
Protein change: p.Asp413Gly; replaces aspartic acid 413 with glycine.
Molecular consequence: missense variant.
Genome position (GRCh38, 1-based): chr2:224,503,791, T>C on the plus strand (A>G on the coding strand, the complement: CUL3 is on the minus strand). VCF-style: chr2-224503791-T-C. GRCh37 (hg19) VCF-style: chr2-225368508-T-C.
Other names: ESE_a(5)g; c.1040A>G, p.Asp347Gly (NM_001257197.2); c.1256A>G, p.Asp419Gly (NM_001257198.2); short protein forms D413G, D419G, D347G.
Identifiers: ClinVar variation 30323 (VCV000030323.4), dbSNP rs199469656, ClinGen allele CA129109.